The following is an entry in ClinVar:

NM_000059.4(BRCA2):c.7215_7216inv (p.Phe2406Val)

Gene: BRCA2 (BRCA2 DNA repair associated; plus strand). Cytogenetic location: 13q13.1.
Variant type: Inversion.
Coding change: c.7215_7216inv on transcript NM_000059.4 (MANE Select).
Protein change: p.Phe2406Val; replaces phenylalanine 2406 with valine.
Molecular consequence: missense variant. On other transcripts: non-coding transcript variant (1).
Genome position: GRCh38 VCF-style: chr13-32355068-CT-AG. GRCh37 (hg19) VCF-style: chr13-32929205-CT-AG.
Other names: c.7119_7120inv, p.Phe2374Val (NM_001406719.1); c.7215_7216inv, p.Phe2406Val (NM_001406720.1, NM_001432077.1); c.2283_2284inv, p.Phe762Val (NM_001406721.1); c.798_799inv, p.Phe267Val (NM_001406722.1); c.7215_7216delinsAG (NM_000059.4); short protein forms F2374V, F2406V, F267V, F762V.
Identifiers: ClinVar variation 4853599 (VCV004853599.1).
Genomic context (GRCh38, chr13:32,355,068, plus strand): 5'-TTCTGCTACAAGAAATGAAAAAATGAGACACTTGATTACTACAGGCAGACCAACCAAAGT[CT>AG]TTGTTCCACCTTTTAAAACTAAATCACATTTTCACAGAGTTGAACAGTGTGTTAGGAATA-3'
Protein context (NP_000050.3, residues 2396-2416): LITTGRPTKV[Phe2406Val]VPPFKTKSHF

ClinVar aggregate classification (germline): Uncertain significance (1 of 4 stars; one submission).

Submission:

Women's Health and Genetics/Laboratory Corporation of America, LabCorp
Classification: Uncertain significance. Last evaluated: 2026-05-04. Review status: criteria provided, single submitter. Criteria: LabCorp Variant Classification Summary - May 2015. Collection method: clinical testing. Allele origin: germline.
Comment: Variant summary: BRCA2 c.7215_7216delinsAG (p.Phe2406Val) results in a non-conservative amino acid change in the encoded protein sequence. Algorithms developed to predict the effect of missense changes on protein structure and function are either unavailable or do not agree on the potential impact of this missense change. The variant was absent in 251302 control chromosomes. The available data on variant occurrences in the general population are insufficient to allow any conclusion about variant significance. To our knowledge, no occurrence of c.7215_7216delinsAG in individuals affected with BRCA2-related conditions and no experimental evidence demonstrating its impact on protein function have been reported. No submitters have cited clinical-significance assessments for this variant to ClinVar. Based on the evidence outlined above, the variant was classified as uncertain significance.